The following is an entry in ClinVar:

ClinVar aggregate classification (germline): Uncertain significance (1 of 4 stars; one submission).

Submission:

Labcorp Genetics (formerly Invitae), Labcorp
Classification: Uncertain significance. Last evaluated: 2021-12-03. Review status: criteria provided, single submitter. Criteria: Invitae Variant Classification Sherloc (09022015). Collection method: clinical testing. Allele origin: germline.
Comment: In summary, the available evidence is currently insufficient to determine the role of this variant in disease. Therefore, it has been classified as a Variant of Uncertain Significance. Algorithms developed to predict the effect of missense changes on protein structure and function are either unavailable or do not agree on the potential impact of this missense change (SIFT: "Deleterious"; PolyPhen-2: "Benign"; Align-GVGD: "Class C0"). This variant has not been reported in the literature in individuals affected with CCDC88A-related conditions. This variant is not present in population databases (gnomAD no frequency). This sequence change replaces leucine, which is neutral and non-polar, with valine, which is neutral and non-polar, at codon 1713 of the CCDC88A protein (p.Leu1713Val).

NM_001365480.1(CCDC88A):c.5140T>G (p.Leu1714Val)

Gene: CCDC88A (coiled-coil and HOOK domain protein 88A; minus strand). Cytogenetic location: 2p16.1.
Variant type: single nucleotide variant.
Coding change: c.5140T>G on transcript NM_001365480.1 (MANE Select); coding-DNA position 5140, T replaced by G.
Protein change: p.Leu1714Val; replaces leucine 1714 with valine.
Molecular consequence: missense variant.
Genome position (GRCh38, 1-based): chr2:55,296,008, A>C on the plus strand (T>G on the coding strand, the complement: CCDC88A is on the minus strand). VCF-style: chr2-55296008-A-C. GRCh37 (hg19) VCF-style: chr2-55523144-A-C.
Other names: c.5137T>G, p.Leu1713Val (NM_001135597.2, NM_001254943.2); c.5056T>G, p.Leu1686Val (NM_018084.5); short protein forms L1714V, L1686V, L1713V.
Identifiers: ClinVar variation 1446430 (VCV001446430.8), dbSNP rs2104550381, ClinGen allele CA346912115.